The following is an entry in ClinVar:

NM_000548.5(TSC2):c.2863C>T (p.Gln955Ter)

Gene: TSC2 (TSC complex subunit 2; plus strand). Cytogenetic location: 16p13.3.
Variant type: single nucleotide variant.
Coding change: c.2863C>T on transcript NM_000548.5 (MANE Select); coding-DNA position 2863, C replaced by T.
Protein change: p.Gln955Ter; replaces glutamine 955 with a stop codon.
Molecular consequence: nonsense. On other transcripts: intron variant (9).
Genome position (GRCh38, 1-based): chr16:2,077,623, C>T. VCF-style: chr16-2077623-C-T. GRCh37 (hg19) VCF-style: chr16-2127624-C-T.
Other names: c.2863C>T, p.Gln955Ter (NM_001114382.3); c.2837+1038C>T (NM_021055.3, NM_001370405.1, NM_001363528.2 and 2 more transcripts); c.2726+1038C>T (NM_001318827.2); c.2237+1038C>T (NM_001318831.2); c.2690+1038C>T (NM_001318829.2); c.2870+1038C>T (NM_001318832.2); short protein forms Q955*.
Identifiers: ClinVar variation 821922 (VCV000821922.10), dbSNP rs1596374761, ClinGen allele CA394280888.

ClinVar aggregate classification (germline): Uncertain significance. Review status: criteria provided, multiple submitters, no conflicts (2 of 4 stars). 2 submissions from 2 submitters: Uncertain significance (2). Last evaluated 2022-07-06.

Conditions:
Tuberous sclerosis 2 (TSC2). Identifiers: Orphanet 805, MedGen C1860707, MONDO:0013199, OMIM 613254.
Hereditary cancer-predisposing syndrome. Also called: Hereditary Cancer Syndrome; Neoplastic Syndromes, Hereditary; Hereditary neoplastic syndrome; Tumor predisposition. Identifiers: Orphanet 140162, MedGen C0027672, MeSH D009386, MONDO:0015356.

Submissions (2):

Labcorp Genetics (formerly Invitae), Labcorp
Classification: Uncertain significance for Tuberous sclerosis 2. Last evaluated: 2022-07-06. Review status: criteria provided, single submitter. Criteria: Invitae Variant Classification Sherloc (09022015). Collection method: clinical testing. Allele origin: germline.
Comment: In summary, the available evidence is currently insufficient to determine the role of this variant in disease. Therefore, it has been classified as a Variant of Uncertain Significance. ClinVar contains an entry for this variant (Variation ID: 821922). This variant has not been reported in the literature in individuals affected with TSC2-related conditions. This variant is not present in population databases (gnomAD no frequency). This sequence change creates a premature translational stop signal (p.Gln955*) in the TSC2 gene. Loss-of-function variants in TSC2 are known to be pathogenic (PMID: 10205261, 17304050). However, tissue-specific alternative splicing of TSC2 gene results in a functional isoform lacking in-frame exon 26 (also known as exon 25, PMID: 26703369). For this reason the clinical significance of loss of function variants in exon 26 is currently uncertain.

Ambry Genetics
Classification: Uncertain significance for Hereditary cancer-predisposing syndrome. Last evaluated: 2019-12-10. Review status: criteria provided, single submitter. Criteria: Ambry Variant Classification Scheme 2023. Collection method: clinical testing. Allele origin: germline.
Comment: The p.Q955* variant (also known as c.2863C>T), located in coding exon 25 of the TSC2 gene, results from a C to T substitution at nucleotide position 2863. This changes the amino acid from a glutamine to a stop codon within coding exon 25. Nonsense alterations are expected to result in loss of function by premature protein truncation or nonsense-mediated mRNA decay; however, this variant occurs in an exon that is absent in biologically relevant transcripts (Ekong R et al. Hum. Mutat., 2016 Apr;37:364-70). Since supporting evidence is limited at this time, the clinical significance of this alteration remains unclear.

Literature cited by the submitters: PubMed 10205261 (cited by Labcorp Genetics (formerly Invitae), Labcorp); PubMed 17304050 (cited by Labcorp Genetics (formerly Invitae), Labcorp); PubMed 26703369 (cited by Ambry Genetics).